The following is an entry in ClinVar:

NM_000969.5(RPL5):c.115C>T (p.Gln39Ter)

Genes: DIPK1A (divergent protein kinase domain 1A; minus strand), RPL5 (ribosomal protein L5; plus strand). Cytogenetic location: 1p22.1.
Variant type: single nucleotide variant.
Coding change: c.115C>T on transcript NM_000969.5 (MANE Select); coding-DNA position 115, C replaced by T.
Protein change: p.Gln39Ter; replaces glutamine 39 with a stop codon.
Molecular consequence: nonsense. On other transcripts: non-coding transcript variant (1), intron variant (1).
Genome position (GRCh38, 1-based): chr1:92,833,586, C>T. VCF-style: chr1-92833586-C-T. GRCh37 (hg19) VCF-style: chr1-93299143-C-T.
Other names: c.475-552G>A (NM_001252273.2); short protein forms Q39*.
Identifiers: ClinVar variation 4077473 (VCV004077473.1).
Genomic context (GRCh38, chr1:92,833,586, plus strand): 5'-AATTATTTTTTTCTTTCAGAGGGTAAAACTGATTATTATGCTCGGAAACGCTTGGTGATA[C>T]AAGATAAAAATAAATACAACACACCCAAATACAGGATGATAGTTCGTGTGACAAACAGAG-3'

ClinVar aggregate classification (germline): Pathogenic/Likely pathogenic. Review status: criteria provided, multiple submitters, no conflicts (2 of 4 stars). 2 submissions from 2 submitters: Pathogenic (1); Likely pathogenic (1). Last evaluated 2025-07-14.

Conditions:
Diamond-Blackfan anemia 6 (DBA6). Also called: RPL5-Related Diamond-Blackfan Anemia. Identifiers: Orphanet 124, MedGen C2931850, MONDO:0012937, OMIM 612561.
Diamond-Blackfan anemia. Also called: Blackfan Diamond syndrome; Aregenerative anemia chronic congenital; Red cell aplasia, pure hereditary; Congenital hypoplastic anemia; Aase syndrome. Identifiers: Orphanet 124, MedGen C1260899, MeSH D029503, MONDO:0015253, HP:0004810.

Submissions (2):

Labcorp Genetics (formerly Invitae), Labcorp
Classification: Pathogenic for Diamond-Blackfan anemia. Last evaluated: 2025-07-14. Review status: criteria provided, single submitter. Criteria: Invitae Variant Classification Sherloc (09022015). Collection method: clinical testing. Allele origin: germline.
Comment: This sequence change creates a premature translational stop signal (p.Gln39*) in the RPL5 gene. It is expected to result in an absent or disrupted protein product. Loss-of-function variants in RPL5 are known to be pathogenic (PMID: 19061985, 19773262). This variant is not present in population databases (gnomAD no frequency). This variant has not been reported in the literature in individuals affected with RPL5-related conditions. For these reasons, this variant has been classified as Pathogenic.

Revvity Omics, Revvity
Classification: Likely pathogenic for Diamond-Blackfan anemia 6. Last evaluated: 2024-04-02. Review status: criteria provided, single submitter. Criteria: ACMG Guidelines, 2015. Collection method: clinical testing. Allele origin: germline.

Literature cited by the submitters: PubMed 19061985 (cited by Labcorp Genetics (formerly Invitae), Labcorp); PubMed 19773262 (cited by Labcorp Genetics (formerly Invitae), Labcorp).